The following is an entry in ClinVar:

ClinVar aggregate classification (germline): Uncertain significance. Review status: criteria provided, multiple submitters, no conflicts (2 of 4 stars). 4 submissions from 4 submitters: Uncertain significance (3). 1 of the submissions does not count toward it. Last evaluated 2025-12-30.

Conditions:
Usher syndrome type 1B (USH1B). Also called: Usher syndrome type IB. Identifiers: MedGen C1848638, MONDO:0700087.

Allele frequency attached by ClinVar (database versions not stated): TOPMed 0.00002; gnomAD 0.00001.
gnomAD v4.1: 7 of 1,582,108 alleles (0.00044%); highest among the groups gnomAD compares: Admixed American, 0.0018%; no homozygotes.

Submissions (4):

Labcorp Genetics (formerly Invitae), Labcorp
Classification: Uncertain significance. Last evaluated: 2025-12-30. Review status: criteria provided, single submitter. Criteria: Invitae Variant Classification Sherloc (09022015). Collection method: clinical testing. Allele origin: germline.
Comment: This sequence change replaces valine, which is neutral and non-polar, with leucine, which is neutral and non-polar, at codon 1984 of the MYO7A protein (p.Val1984Leu). This variant is present in population databases (rs377517717, gnomAD 0.006%). This variant has not been reported in the literature in individuals affected with MYO7A-related conditions. ClinVar contains an entry for this variant (Variation ID: 964878). Invitae Evidence Modeling of protein sequence and biophysical properties (such as structural, functional, and spatial information, amino acid conservation, physicochemical variation, residue mobility, and thermodynamic stability) indicates that this missense variant is not expected to disrupt MYO7A protein function with a negative predictive value of 95%. Algorithms developed to predict the effect of sequence changes on RNA splicing suggest that this variant may create or strengthen a splice site. In summary, the available evidence is currently insufficient to determine the role of this variant in disease. Therefore, it has been classified as a Variant of Uncertain Significance.

Blueprint Genetics
Classification: Uncertain significance. Last evaluated: 2024-05-29. Review status: criteria provided, single submitter. Criteria: ACMG Guidelines, 2015. Collection method: clinical testing. Allele origin: germline.

GeneDx
Classification: Uncertain significance. Last evaluated: 2024-04-25. Review status: criteria provided, single submitter. Criteria: GeneDx Variant Classification Process June 2021. Collection method: clinical testing. Allele origin: germline. Affected: yes.
Comment: In silico analysis indicates that this missense variant does not alter protein structure/function; Has not been previously published as pathogenic or benign to our knowledge

Natera, Inc.
Classification: Uncertain significance for Usher syndrome type 1B. Last evaluated: 2020-04-17. Review status: no assertion criteria provided. Collection method: clinical testing. Allele origin: germline. Not counted in ClinVar's aggregate classification.

NM_000260.4(MYO7A):c.5950G>T (p.Val1984Leu)

Gene: MYO7A (myosin VIIA; plus strand). Cytogenetic location: 11q13.5.
Variant type: single nucleotide variant.
Coding change: c.5950G>T on transcript NM_000260.4 (MANE Select); coding-DNA position 5950, G replaced by T.
Protein change: p.Val1984Leu; replaces valine 1984 with leucine.
Molecular consequence: missense variant.
Genome position (GRCh38, 1-based): chr11:77,208,702, G>T. VCF-style: chr11-77208702-G-T. GRCh37 (hg19) VCF-style: chr11-76919747-G-T.
Other names: c.5836G>T, p.Val1946Leu (NM_001127180.2); c.5803G>T, p.Val1935Leu (NM_001369365.1); short protein forms V1946L, V1984L, V1935L.
Identifiers: ClinVar variation 964878 (VCV000964878.12), dbSNP rs377517717, ClinGen allele CA6198890.